The following is an entry in ClinVar:

NM_080680.3(COL11A2):c.3798+12G>T

Gene: COL11A2 (collagen type XI alpha 2 chain; minus strand). Cytogenetic location: 6p21.32.
Variant type: single nucleotide variant.
Coding change: c.3798+12G>T on transcript NM_080680.3 (MANE Select); 12 bases into the intron after coding-DNA position 3798, G replaced by T.
Molecular consequence: intron variant.
Genome position (GRCh38, 1-based): chr6:33,169,371, C>A on the plus strand (G>T on the coding strand, the complement: COL11A2 is on the minus strand). VCF-style: chr6-33169371-C-A. GRCh37 (hg19) VCF-style: chr6-33137148-C-A.
Other names: c.2772+12G>T (NM_001424111.1, NM_001424110.1); c.3477+12G>T (NM_080679.3); c.3540+12G>T (NM_080681.3); c.3618+12G>T (NM_001424108.1); c.2952+12G>T (NM_001424109.1); c.1752+12G>T (NM_001424112.1).
Identifiers: ClinVar variation 2776558 (VCV002776558.3), dbSNP rs1347895710, ClinGen allele CA566426915.

ClinVar aggregate classification (germline): Uncertain significance (1 of 4 stars; one submission).

Allele frequency attached by ClinVar (database versions not stated): gnomAD 0.00001; TOPMed 0.00001; gnomAD exomes 0.00002.
gnomAD v4.1: 25 of 1,610,034 alleles (0.0016%); highest among the groups gnomAD compares: Non-Finnish European, 0.002%; no homozygotes.

Submission:

Labcorp Genetics (formerly Invitae), Labcorp
Classification: Uncertain significance. Last evaluated: 2025-09-25. Review status: criteria provided, single submitter. Criteria: Invitae Variant Classification Sherloc (09022015). Collection method: clinical testing. Allele origin: germline.
Comment: This sequence change falls in intron 51 of the COL11A2 gene. It does not directly change the encoded amino acid sequence of the COL11A2 protein. This variant is present in population databases (no rsID available, gnomAD 0.002%). This variant has not been reported in the literature in individuals affected with COL11A2-related conditions. ClinVar contains an entry for this variant (Variation ID: 2776558). Algorithms developed to predict the effect of sequence changes on RNA splicing suggest that this variant may create or strengthen a splice site. In summary, the available evidence is currently insufficient to determine the role of this variant in disease. Therefore, it has been classified as a Variant of Uncertain Significance.